The following is an entry in ClinVar:

ClinVar aggregate classification (germline): Uncertain significance. Review status: criteria provided, multiple submitters, no conflicts (2 of 4 stars). 6 submissions from 6 submitters: Uncertain significance (5). 1 of the submissions does not count toward it. Last evaluated 2024-02-16.

Conditions:
SDCCAG8-related disorder. Also called: SDCCAG8-related condition; SDCCAG8-Related Disorders.
Senior-Loken syndrome 7 (SLSN7). Identifiers: Orphanet 3156, MedGen C3150877, MONDO:0013326, OMIM 613615.
Bardet-Biedl syndrome 16 (BBS16). Identifiers: Orphanet 110, MedGen C3889474, MONDO:0014444, OMIM 615993.

Allele frequency attached by ClinVar (database versions not stated): gnomAD exomes 0.00001 and 0.00002; gnomAD 0.00005 and 0.00007; TOPMed 0.00011.
gnomAD v4.1: 32 of 1,613,884 alleles (0.002%); highest among the groups gnomAD compares: African/African-American, 0.032%; no homozygotes.

Submissions (6):

Fulgent Genetics
Classification: Uncertain significance for Senior-Loken syndrome 7; Bardet-Biedl syndrome 16. Last evaluated: 2024-02-16. Review status: criteria provided, single submitter. Criteria: ACMG Guidelines, 2015. Collection method: clinical testing. Allele origin: germline.

Blueprint Genetics
Classification: Uncertain significance. Last evaluated: 2023-08-10. Review status: criteria provided, single submitter. Criteria: ACMG Guidelines, 2015. Collection method: clinical testing. Allele origin: germline.

Labcorp Genetics (formerly Invitae), Labcorp
Classification: Uncertain significance for Bardet-Biedl syndrome 16; Senior-Loken syndrome 7. Last evaluated: 2022-10-04. Review status: criteria provided, single submitter. Criteria: Invitae Variant Classification Sherloc (09022015). Collection method: clinical testing. Allele origin: germline.
Comment: In summary, the available evidence is currently insufficient to determine the role of this variant in disease. Therefore, it has been classified as a Variant of Uncertain Significance. Advanced modeling of protein sequence and biophysical properties (such as structural, functional, and spatial information, amino acid conservation, physicochemical variation, residue mobility, and thermodynamic stability) performed at Invitae indicates that this missense variant is not expected to disrupt SDCCAG8 protein function. ClinVar contains an entry for this variant (Variation ID: 838283). This variant has not been reported in the literature in individuals affected with SDCCAG8-related conditions. This variant is present in population databases (no rsID available, gnomAD 0.02%). This sequence change replaces glutamine, which is neutral and polar, with glutamic acid, which is acidic and polar, at codon 505 of the SDCCAG8 protein (p.Gln505Glu).

Genetic Services Laboratory, University of Chicago
Classification: Uncertain significance. Last evaluated: 2020-10-23. Review status: criteria provided, single submitter. Criteria: ACMG Guidelines, 2015. Collection method: clinical testing. Allele origin: germline. Affected: no.
Comment: DNA sequence analysis of the SDCCAG8 gene demonstrated a sequence change, c.1513C>G, in exon 13 that results in an amino acid change, p.Gln505Glu. This sequence change does not appear to have been previously described in patients with SDCCAG8-related disorders and has been described in the gnomAD database with a frequency of 0.024% in the African sub-population (dbSNP rs980791573). The p.Gln505Glu change affects a highly conserved amino acid residue located in a domain of the SDCCAG8 protein that is not known to be functional. In-silico pathogenicity prediction tools (SIFT, PolyPhen2, Align GVGD, REVEL) provide contradictory results for the p.Gln505Glu substitution. Due to these contrasting evidences and the lack of functional studies, the clinical significance of the p.Gln505Glu change remains unknown at this time.

Breakthrough Genomics
Classification: Uncertain significance. Review status: criteria provided, single submitter. Criteria: ACMG Guidelines, 2015. Collection method: not provided. Allele origin: germline. Inheritance: Autosomal recessive inheritance. Affected: yes.

PreventionGenetics, part of Exact Sciences
Classification: Uncertain significance for SDCCAG8-related condition. Last evaluated: 2024-06-04. Review status: no assertion criteria provided. Collection method: clinical testing. Allele origin: germline. Not counted in ClinVar's aggregate classification.
Comment: The SDCCAG8 c.1513C>G variant is predicted to result in the amino acid substitution p.Gln505Glu. This variant has been reported in the heterozygous state in an individual with Bardet-Biedl syndrome; however, this individual also carried a homozygous nonsense variant in BBS2 which provided the diagnosis (Redin et al. 2012. PubMed ID: 22773737). This variant is reported in 0.024% of alleles in individuals of African descent in gnomAD. At this time, the clinical significance of this variant is uncertain due to the absence of conclusive functional and genetic evidence.

NM_006642.5(SDCCAG8):c.1513C>G (p.Gln505Glu)

Gene: SDCCAG8 (SHH signaling and ciliogenesis regulator SDCCAG8; plus strand). Cytogenetic location: 1q43.
Variant type: single nucleotide variant.
Coding change: c.1513C>G on transcript NM_006642.5 (MANE Select); coding-DNA position 1513, C replaced by G.
Protein change: p.Gln505Glu; replaces glutamine 505 with glutamic acid.
Molecular consequence: missense variant.
Genome position (GRCh38, 1-based): chr1:243,378,760, C>G. VCF-style: chr1-243378760-C-G. GRCh37 (hg19) VCF-style: chr1-243542062-C-G.
Other names: c.610C>G, p.Gln204Glu (NM_001350246.2, NM_001350247.2, NM_001350251.2); c.1609C>G, p.Gln537Glu (NM_001350248.2); c.1219C>G, p.Gln407Glu (NM_001350249.2); short protein forms Q407E, Q505E, Q204E, Q537E.
Identifiers: ClinVar variation 838283 (VCV000838283.18), dbSNP rs980791573, ClinGen allele CA40457137.